The following is an entry in ClinVar:

ClinVar aggregate classification (germline): Uncertain significance (1 of 4 stars; one submission).

Conditions:
Mitochondrial complex II deficiency, nuclear type 1. Also called: SUCCINATE CoQ REDUCTASE DEFICIENCY. Identifiers: Orphanet 3208, MedGen C5700310, MONDO:0100294, OMIM 252011.
Pheochromocytoma/paraganglioma syndrome 5. Also called: Paragangliomas 5; SDHA-Related Hereditary Paraganglioma-Pheochromocytoma Syndrome. Identifiers: Orphanet 29072, MedGen C3279992, MONDO:0013602, OMIM 614165.

Allele frequency attached by ClinVar (database versions not stated): gnomAD exomes 0.00001.
gnomAD v4.1: 7 of 1,613,974 alleles (0.00043%); highest among the groups gnomAD compares: Non-Finnish European, 0.00059%; no homozygotes.

Submission:

Labcorp Genetics (formerly Invitae), Labcorp
Classification: Uncertain significance for Pheochromocytoma/paraganglioma syndrome 5; Mitochondrial complex II deficiency, nuclear type 1. Last evaluated: 2022-04-12. Review status: criteria provided, single submitter. Criteria: Invitae Variant Classification Sherloc (09022015). Collection method: clinical testing. Allele origin: germline.
Comment: In summary, the available evidence is currently insufficient to determine the role of this variant in disease. Therefore, it has been classified as a Variant of Uncertain Significance. Algorithms developed to predict the effect of missense changes on protein structure and function are either unavailable or do not agree on the potential impact of this missense change (SIFT: "Deleterious"; PolyPhen-2: "Probably Damaging"; Align-GVGD: "Class C0"). This variant has not been reported in the literature in individuals affected with SDHA-related conditions. This variant is not present in population databases (gnomAD no frequency). This sequence change replaces cysteine, which is neutral and slightly polar, with arginine, which is basic and polar, at codon 443 of the SDHA protein (p.Cys443Arg).

NM_004168.4(SDHA):c.1327T>C (p.Cys443Arg)

Gene: SDHA (succinate dehydrogenase complex flavoprotein subunit A; plus strand). Cytogenetic location: 5p15.33.
Variant type: single nucleotide variant.
Coding change: c.1327T>C on transcript NM_004168.4 (MANE Select); coding-DNA position 1327, T replaced by C.
Protein change: p.Cys443Arg; replaces cysteine 443 with arginine.
Molecular consequence: missense variant.
Genome position (GRCh38, 1-based): chr5:236,494, T>C. VCF-style: chr5-236494-T-C. GRCh37 (hg19) VCF-style: chr5-236609-T-C.
Other names: c.1183T>C, p.Cys395Arg (NM_001294332.2); c.1327T>C, p.Cys443Arg (NM_001330758.2); short protein forms C443R, C395R.
Identifiers: ClinVar variation 1467369 (VCV001467369.6), dbSNP rs2126589848, ClinGen allele CA359013935.